The following is an entry in ClinVar:

NM_001130438.3(SPTAN1):c.7307_7308+30dup

Gene: SPTAN1 (spectrin alpha, non-erythrocytic 1; plus strand). Cytogenetic location: 9q34.11.
Variant type: Duplication.
Coding change: c.7307_7308+30dup on transcript NM_001130438.3 (MANE Select); coding-DNA position 7307 through 30 bases into the intron after coding-DNA position 7308, 32 bases duplicated.
Molecular consequence: splice donor variant.
Genome position (GRCh38, 1-based): chr9:128,632,954-128,632,985, 32 bases duplicated. GRCh37 (hg19): chr9:131,395,233-131,395,264.
Other names: c.7307_7308+30dup (NM_001375311.2); c.7247_7248+30dup (NM_001375314.2, NM_001363765.2); c.7394_7395+30dup (NM_001375310.1); c.7370_7371+30dup (NM_001363759.2); c.7289_7290+30dup (NM_001375313.1); c.7292_7293+30dup (NM_003127.4); c.7232_7233+30dup (NM_001195532.2); c.7406_7407+30dup (NM_001375318.1); and 1 more.
Identifiers: ClinVar variation 2904512 (VCV002904512.4), dbSNP rs749144327, ClinGen allele CA5266052.

ClinVar aggregate classification (germline): Uncertain significance. Review status: criteria provided, multiple submitters, no conflicts (2 of 4 stars). 2 submissions from 2 submitters: Uncertain significance (2). Last evaluated 2025-09-24.

Conditions:
Early-infantile DEE. Also called: Early infantile epileptic encephalopathy; Ohtahara syndrome; Early infantile epileptic encephalopathy with suppression bursts. Identifiers: Orphanet 1934, MedGen C0393706, MONDO:0800491.

Allele frequency attached by ClinVar (database versions not stated): ExAC 0.00002.

Submissions (2):

Labcorp Genetics (formerly Invitae), Labcorp
Classification: Uncertain significance for Early-infantile DEE. Last evaluated: 2025-09-24. Review status: criteria provided, single submitter. Criteria: Invitae Variant Classification Sherloc (09022015). Collection method: clinical testing. Allele origin: germline.
Comment: This sequence change falls in intron 56 of the SPTAN1 gene. It does not directly change the encoded amino acid sequence of the SPTAN1 protein. This variant is present in population databases (rs749144327, gnomAD 0.01%). This variant has not been reported in the literature in individuals affected with SPTAN1-related conditions. ClinVar contains an entry for this variant (Variation ID: 2904512). In summary, the available evidence is currently insufficient to determine the role of this variant in disease. Therefore, it has been classified as a Variant of Uncertain Significance.

GeneDx
Classification: Uncertain significance. Last evaluated: 2025-04-25. Review status: criteria provided, single submitter. Criteria: GeneDx Variant Classification Process June 2021. Collection method: clinical testing. Allele origin: germline. Affected: yes.
Comment: In silico analysis supports a deleterious effect on splicing; Has not been previously published as pathogenic or benign to our knowledge